The following is an entry in ClinVar:

NM_001039141.3(TRIOBP):c.5317C>T (p.Arg1773Ter)

Gene: TRIOBP (TRIO and F-actin binding protein; plus strand). Cytogenetic location: 22q13.1.
Variant type: single nucleotide variant.
Coding change: c.5317C>T on transcript NM_001039141.3 (MANE Select); coding-DNA position 5317, C replaced by T.
Protein change: p.Arg1773Ter; replaces arginine 1773 with a stop codon.
Molecular consequence: nonsense.
Genome position (GRCh38, 1-based): chr22:37,741,027, C>T. VCF-style: chr22-37741027-C-T. GRCh37 (hg19) VCF-style: chr22-38137034-C-T.
Other names: NC_000022.10:g.38137034C>T; short protein forms R1773*.
Identifiers: ClinVar variation 1308268 (VCV001308268.4), dbSNP rs368112491, ClinGen allele CA10224563.

ClinVar aggregate classification (germline): Conflicting classifications of pathogenicity. Review status: criteria provided, conflicting classifications (1 of 4 stars). 2 submissions from 2 submitters: Likely pathogenic (1); Uncertain significance (1). Last evaluated 2022-11-03.

Conditions:
Rare genetic deafness. Identifiers: Orphanet 96210, MedGen C5680250.

Allele frequency attached by ClinVar (database versions not stated): gnomAD exomes 0.00001; TOPMed 0.00001; gnomAD 0.00003; ExAC 0.00005; ESP Exome Variant Server 0.00008.
gnomAD v4.1: 18 of 1,562,026 alleles (0.0012%); highest among the groups gnomAD compares: African/African-American, 0.0054%; no homozygotes.

Submissions (3):

Laboratory for Molecular Medicine, Mass General Brigham Personalized Medicine
Classification: Likely pathogenic for Rare genetic deafness. Last evaluated: 2022-11-03. Review status: criteria provided, single submitter. Criteria: ACMG Guidelines, 2015. Collection method: clinical testing. Allele origin: germline.
Comment: The p.Arg1773X variant in TRIOBP has not been reported in individuals with disease and has been identified in 4/41244 African chromosomes by gnomAD. This nonsense variant leads to a premature termination codon at position 1773, which is predicted to lead to a truncated or absent protein. Loss of function of the TRIOBP gene is an established disease mechanism in autosomal recessive hearing loss. In summary, although additional studies are required to fully establish its clinical significance, this variant meets criteria to be classified as likely pathogenic for autosomal recessive hearing loss. ACMG/AMP Criteria applied: PM2_Supporting, PVS1.

GeneDx
Classification: Uncertain significance. Last evaluated: 2019-03-26. Review status: criteria provided, single submitter. Criteria: GeneDx Variant Classification Process June 2021. Collection method: clinical testing. Allele origin: germline. Affected: yes.
Comment: Has not been previously published as pathogenic or benign to our knowledge; Nonsense variant predicted to result in protein truncation or nonsense mediated decay in a gene for which loss-of-function is a known mechanism of disease

Dr. Peter K. Rogan Lab, Western University
No classification provided (evidence only). Condition: Familial cancer of breast. Review status: no classification provided. Collection method: in vitro. Allele origin: not applicable. Functional consequence: skipped exon. Not counted in ClinVar's aggregate classification.